The following is an entry in ClinVar:

NM_021076.4(NEFH):c.582G>C (p.Glu194Asp)

Gene: NEFH (neurofilament heavy chain; plus strand). Cytogenetic location: 22q12.2.
Variant type: single nucleotide variant.
Coding change: c.582G>C on transcript NM_021076.4 (MANE Select); coding-DNA position 582, G replaced by C.
Protein change: p.Glu194Asp; replaces glutamic acid 194 with aspartic acid.
Molecular consequence: missense variant.
Genome position (GRCh38, 1-based): chr22:29,480,844, G>C. VCF-style: chr22-29480844-G-C. GRCh37 (hg19) VCF-style: chr22-29876833-G-C.
Other names: c.582G>C (NM_021076.3); short protein forms E194D.
Identifiers: ClinVar variation 1013205 (VCV001013205.46), dbSNP rs1215676350, ClinGen allele CA411123260.

ClinVar aggregate classification (germline): Uncertain significance. Review status: criteria provided, multiple submitters, no conflicts (2 of 4 stars). 5 submissions from 5 submitters: Uncertain significance (4). 1 of the submissions does not count toward it. Last evaluated 2025-11-01.

Conditions:
Inborn genetic diseases. Identifiers: MedGen C0950123, MeSH D030342.
NEFH-related disorder. Also called: NEFH-related condition.

Allele frequency attached by ClinVar (database versions not stated): TOPMed 0.00005.
gnomAD v4.1: 26 of 1,394,066 alleles (0.0019%); highest among the groups gnomAD compares: Middle Eastern, 0.05%; no homozygotes.

Submissions (5):

Labcorp Genetics (formerly Invitae), Labcorp
Classification: Uncertain significance. Last evaluated: 2025-11-01. Review status: criteria provided, single submitter. Criteria: Invitae Variant Classification Sherloc (09022015). Collection method: clinical testing. Allele origin: germline.
Comment: This sequence change replaces glutamic acid, which is acidic and polar, with aspartic acid, which is acidic and polar, at codon 194 of the NEFH protein (p.Glu194Asp). This variant is not present in population databases (gnomAD no frequency). This variant has not been reported in the literature in individuals affected with NEFH-related conditions. ClinVar contains an entry for this variant (Variation ID: 1013205). Invitae Evidence Modeling of protein sequence and biophysical properties (such as structural, functional, and spatial information, amino acid conservation, physicochemical variation, residue mobility, and thermodynamic stability) indicates that this missense variant is not expected to disrupt NEFH protein function with a negative predictive value of 95%. In summary, the available evidence is currently insufficient to determine the role of this variant in disease. Therefore, it has been classified as a Variant of Uncertain Significance.

Ambry Genetics
Classification: Uncertain significance for Inborn genetic diseases. Last evaluated: 2024-12-30. Review status: criteria provided, single submitter. Criteria: Ambry Variant Classification Scheme 2023. Collection method: clinical testing. Allele origin: germline.

Blueprint Genetics
Classification: Uncertain significance. Last evaluated: 2024-01-04. Review status: criteria provided, single submitter. Criteria: ACMG Guidelines, 2015. Collection method: clinical testing. Allele origin: germline.

CeGaT Center for Human Genetics Tuebingen
Classification: Uncertain significance. Last evaluated: 2021-01-01. Review status: criteria provided, single submitter. Criteria: CeGaT Center For Human Genetics Tuebingen Variant Classification Criteria Version 2. Collection method: clinical testing. Allele origin: germline. Affected: yes. Observed: 1 variant allele.

PreventionGenetics, part of Exact Sciences
Classification: Uncertain significance for NEFH-related condition. Last evaluated: 2024-06-03. Review status: no assertion criteria provided. Collection method: clinical testing. Allele origin: germline. Not counted in ClinVar's aggregate classification.
Comment: The NEFH c.582G>C variant is predicted to result in the amino acid substitution p.Glu194Asp. To our knowledge, this variant has not been reported in the literature or in a large population database, indicating this variant is rare. At this time, the clinical significance of this variant is uncertain due to the absence of conclusive functional and genetic evidence.